The following is an entry in ClinVar:

ClinVar aggregate classification (germline): Uncertain significance. Review status: criteria provided, multiple submitters, no conflicts (2 of 4 stars). 2 submissions from 2 submitters: Uncertain significance (2). Last evaluated 2024-08-04.

Conditions:
Wilms tumor 6 (WT6). Also called: WILMS TUMOR 6, SUSCEPTIBILITY TO. Identifiers: Orphanet 654, MedGen C3891301, MONDO:0014779, OMIM 616806.

Allele frequency attached by ClinVar (database versions not stated): TOPMed below 0.00001; gnomAD 0.00001; gnomAD exomes 0.00001.
gnomAD v4.1: 8 of 1,613,946 alleles (0.0005%); highest among the groups gnomAD compares: African/African-American, 0.0013%; no homozygotes.

Submissions (2):

Labcorp Genetics (formerly Invitae), Labcorp
Classification: Uncertain significance. Last evaluated: 2024-08-04. Review status: criteria provided, single submitter. Criteria: Invitae Variant Classification Sherloc (09022015). Collection method: clinical testing. Allele origin: germline.
Comment: This sequence change replaces histidine, which is basic and polar, with arginine, which is basic and polar, at codon 528 of the REST protein (p.His528Arg). This variant is not present in population databases (gnomAD no frequency). This variant has not been reported in the literature in individuals affected with REST-related conditions. ClinVar contains an entry for this variant (Variation ID: 2444899). An algorithm developed to predict the effect of missense changes on protein structure and function outputs the following: PolyPhen-2: "Benign". The arginine amino acid residue is found in multiple mammalian species, which suggests that this missense change does not adversely affect protein function. In summary, the available evidence is currently insufficient to determine the role of this variant in disease. Therefore, it has been classified as a Variant of Uncertain Significance.

St. Jude Molecular Pathology, St. Jude Children's Research Hospital
Classification: Uncertain significance for Wilms tumor 6. Last evaluated: 2022-11-22. Review status: criteria provided, single submitter. Criteria: St. Jude Assertion Criteria 2020. Collection method: clinical testing. Allele origin: germline.
Comment: The REST c.1583A>G (p.His528Arg) missense change is absent in gnomAD v2.1.1. The in silico tool REVEL predicts a benign effect on protein function, but to our knowledge this prediction has not been confirmed by functional studies. To our knowledge, this variant has not been reported in individuals with a personal or family history of Wilms tumor. In summary, the evidence currently available is insufficient to determine the clinical significance of this variant. It has therefore been classified as of uncertain significance.

NM_005612.5(REST):c.1583A>G (p.His528Arg)

Gene: REST (RE1 silencing transcription factor; plus strand). Cytogenetic location: 4q12.
Variant type: single nucleotide variant.
Coding change: c.1583A>G on transcript NM_005612.5 (MANE Select); coding-DNA position 1583, A replaced by G.
Protein change: p.His528Arg; replaces histidine 528 with arginine.
Molecular consequence: missense variant.
Genome position (GRCh38, 1-based): chr4:56,930,441, A>G. VCF-style: chr4-56930441-A-G. GRCh37 (hg19) VCF-style: chr4-57796607-A-G.
Other names: c.1583A>G, p.His528Arg (NM_001193508.2, NM_001363453.3); short protein forms H528R.
Identifiers: ClinVar variation 2444899 (VCV002444899.3), dbSNP rs1247527926, ClinGen allele CA357006951.
Genomic context (GRCh38, chr4:56,930,441, plus strand): 5'-GCAATTCAGAAAAATTCAGTAAAACTAAGAAAAGCAAAAGGAAGCTGGAAGTTGACAGCC[A>G]TTCTTTACATGGTCCTGTGAATGATGAGGAATCTTCAACAAAAAAGAAAAAGAAGGTAGA-3'
Protein context (NP_005603.3, residues 518-538): KSKRKLEVDS[His528Arg]SLHGPVNDEE